The following is an entry in ClinVar:

NM_153033.5(KCTD7):c.784C>G (p.Gln262Glu)

Gene: KCTD7 (potassium channel tetramerization domain containing 7; plus strand). Cytogenetic location: 7q11.21.
Variant type: single nucleotide variant.
Coding change: c.784C>G on transcript NM_153033.5 (MANE Select); coding-DNA position 784, C replaced by G.
Protein change: p.Gln262Glu; replaces glutamine 262 with glutamic acid.
Molecular consequence: missense variant.
Genome position (GRCh38, 1-based): chr7:66,639,146, C>G. VCF-style: chr7-66639146-C-G. GRCh37 (hg19) VCF-style: chr7-66104133-C-G.
Other names: c.784C>G, p.Gln262Glu (NM_001167961.2); short protein forms Q262E.
Identifiers: ClinVar variation 285525 (VCV000285525.14), dbSNP rs886043127, ClinGen allele CA10605140.

ClinVar aggregate classification (germline): Uncertain significance. Review status: criteria provided, multiple submitters, no conflicts (2 of 4 stars). 2 submissions from 2 submitters: Uncertain significance (2). Last evaluated 2019-05-07.

Conditions:
Progressive myoclonic epilepsy type 3. Also called: KCTD7-Related Progressive Myoclonic Epilepsy; EPILEPSY, PROGRESSIVE MYOCLONIC, 3, WITH OR WITHOUT INTRACELLULAR INCLUSIONS; CEROID LIPOFUSCINOSIS, NEURONAL, 14; EPILEPSY, PROGRESSIVE MYOCLONIC, 3, WITHOUT INTRACELLULAR INCLUSIONS. Identifiers: Orphanet 263516, MedGen C2673257, MONDO:0012721, OMIM 611726.

Allele frequency attached by ClinVar (database versions not stated): TOPMed 0.00001.
gnomAD v4.1: 1 of 1,614,172 alleles (0.000062%); highest among the groups gnomAD compares: Non-Finnish European, 0.000085%; no homozygotes.

Submissions (2):

Labcorp Genetics (formerly Invitae), Labcorp
Classification: Uncertain significance for Progressive myoclonic epilepsy type 3. Last evaluated: 2019-05-07. Review status: criteria provided, single submitter. Criteria: Invitae Variant Classification Sherloc (09022015). Collection method: clinical testing. Allele origin: germline.
Comment: This sequence change replaces glutamine with glutamic acid at codon 262 of the KCTD7 protein (p.Gln262Glu). The glutamine residue is highly conserved and there is a small physicochemical difference between glutamine and glutamic acid. This variant is not present in population databases (ExAC no frequency). This variant has not been reported in the literature in individuals with KCTD7-related conditions. ClinVar contains an entry for this variant (Variation ID: 285525). Algorithms developed to predict the effect of missense changes on protein structure and function are either unavailable or do not agree on the potential impact of this missense change (SIFT: "Deleterious"; PolyPhen-2: "Benign"; Align-GVGD: "Class C25"). In summary, the available evidence is currently insufficient to determine the role of this variant in disease. Therefore, it has been classified as a Variant of Uncertain Significance.

Eurofins Ntd Llc (ga)
Classification: Uncertain significance. Last evaluated: 2016-01-21. Review status: criteria provided, single submitter. Criteria: EGL Classification Definitions 2015. Collection method: clinical testing. Allele origin: germline. Observed: 1 variant allele, 1 heterozygote.